The following is an entry in ClinVar:

ClinVar aggregate classification (germline): Benign/Likely benign. Review status: criteria provided, multiple submitters, no conflicts (2 of 4 stars). 6 submissions from 5 submitters: Benign (2); Likely benign (4). Last evaluated 2026-01-26.

Conditions:
Aortic valve disease 1 (AOVD1). Identifiers: MedGen C3887892, MONDO:0024523, OMIM 109730.
Familial thoracic aortic aneurysm and aortic dissection (TAAD). Also called: Thoracic aortic aneurysms and dissections. Identifiers: Orphanet 91387, MedGen C4707243, MONDO:0019625.
Adams-Oliver syndrome 5 (AOS5). Identifiers: Orphanet 974, MedGen C4014970, MONDO:0014459, OMIM 616028.

Allele frequency attached by ClinVar (database versions not stated): gnomAD exomes 0.00001 and 0.00003; ExAC 0.00002; gnomAD 0.00005; TOPMed 0.00006.
gnomAD v4.1: 47 of 1,611,260 alleles (0.0029%); highest among the groups gnomAD compares: African/African-American, 0.0054%; no homozygotes.

Submissions (6):

Labcorp Genetics (formerly Invitae), Labcorp
Classification: Likely benign for Adams-Oliver syndrome 5. Last evaluated: 2026-01-26. Review status: criteria provided, single submitter. Criteria: Invitae Variant Classification Sherloc (09022015). Collection method: clinical testing. Allele origin: germline.

Ambry Genetics
Classification: Likely benign for Familial thoracic aortic aneurysm and aortic dissection. Last evaluated: 2023-08-23. Review status: criteria provided, single submitter. Criteria: Ambry Variant Classification Scheme 2023. Collection method: clinical testing. Allele origin: germline.

Genome-Nilou Lab
Classification: Benign for Adams-Oliver syndrome 5. Last evaluated: 2022-03-15. Review status: criteria provided, single submitter. Criteria: ACMG Guidelines, 2015. Collection method: clinical testing. Allele origin: germline. Affected: no.

Genome-Nilou Lab
Classification: Benign for Aortic valve disease 1. Last evaluated: 2022-03-15. Review status: criteria provided, single submitter. Criteria: ACMG Guidelines, 2015. Collection method: clinical testing. Allele origin: germline. Affected: no.

Fulgent Genetics
Classification: Likely benign for Aortic valve disease 1; Adams-Oliver syndrome 5. Last evaluated: 2021-08-10. Review status: criteria provided, single submitter. Criteria: ACMG Guidelines, 2015. Collection method: clinical testing. Allele origin: unknown.

GeneDx
Classification: Likely benign. Last evaluated: 2018-01-24. Review status: criteria provided, single submitter. Criteria: GeneDx Variant Classification (06012015). Collection method: clinical testing. Allele origin: germline. Affected: yes.
Comment: This variant is considered likely benign or benign based on one or more of the following criteria: it is a conservative change, it occurs at a poorly conserved position in the protein, it is predicted to be benign by multiple in silico algorithms, and/or has population frequency not consistent with disease.

NM_017617.5(NOTCH1):c.2355T>C (p.Gly785=)

Gene: NOTCH1 (notch receptor 1; minus strand). Cytogenetic location: 9q34.3.
Variant type: single nucleotide variant.
Coding change: c.2355T>C on transcript NM_017617.5 (MANE Select); coding-DNA position 2355, T replaced by C.
Protein change: p.Gly785=; no amino-acid change (glycine 785 retained).
Molecular consequence: synonymous variant.
Genome position (GRCh38, 1-based): chr9:136,513,133, A>G on the plus strand (T>C on the coding strand, the complement: NOTCH1 is on the minus strand). VCF-style: chr9-136513133-A-G. GRCh37 (hg19) VCF-style: chr9-139407585-A-G.
Other names: c.2355T>C, p.Gly785= (LRG_1122t1).
Identifiers: ClinVar variation 415401 (VCV000415401.15), dbSNP rs199719103, ClinGen allele CA5341375.